The following is an entry in ClinVar:

ClinVar aggregate classification (germline): Uncertain significance (1 of 4 stars; one submission).

Conditions:
POLD1-related polyposis and colorectal cancer syndrome (CRCS10). Also called: Colorectal cancer 10; COLORECTAL CANCER, SUSCEPTIBILITY TO, ON CHROMOSOME 19q; Colorectal cancer, susceptibility to, 10. Identifiers: Orphanet 220460, MedGen C2675481, MONDO:0012953, OMIM 612591.

Submission:

Labcorp Genetics (formerly Invitae), Labcorp
Classification: Uncertain significance for POLD1-related polyposis and colorectal cancer syndrome. Last evaluated: 2022-04-23. Review status: criteria provided, single submitter. Criteria: Invitae Variant Classification Sherloc (09022015). Collection method: clinical testing. Allele origin: germline.
Comment: In summary, the available evidence is currently insufficient to determine the role of this variant in disease. Therefore, it has been classified as a Variant of Uncertain Significance. Algorithms developed to predict the effect of missense changes on protein structure and function are either unavailable or do not agree on the potential impact of this missense change (SIFT: "Tolerated"; PolyPhen-2: "Not Available"; Align-GVGD: "Class C0"). This variant has not been reported in the literature in individuals affected with POLD1-related conditions. This variant is not present in population databases (gnomAD no frequency). This sequence change replaces glycine, which is neutral and non-polar, with valine, which is neutral and non-polar, at codon 20 of the POLD1 protein (p.Gly20Val).

NM_002691.4(POLD1):c.59G>T (p.Gly20Val)

Gene: POLD1 (DNA polymerase delta 1, catalytic subunit; plus strand). Cytogenetic location: 19q13.33.
Variant type: single nucleotide variant.
Coding change: c.59G>T on transcript NM_002691.4 (MANE Select); coding-DNA position 59, G replaced by T.
Protein change: p.Gly20Val; replaces glycine 20 with valine.
Molecular consequence: missense variant. On other transcripts: non-coding transcript variant (1).
Genome position (GRCh38, 1-based): chr19:50,398,910, G>T. VCF-style: chr19-50398910-G-T. GRCh37 (hg19) VCF-style: chr19-50902167-G-T.
Other names: c.59G>T, p.Gly20Val (NM_001256849.1, NM_001308632.1); short protein forms G20V.
Identifiers: ClinVar variation 2129649 (VCV002129649.4), dbSNP rs778329225, ClinGen allele CA406970058.